The following is an entry in ClinVar:

ClinVar aggregate classification (germline): Uncertain significance (1 of 4 stars; one submission).

Allele frequency attached by ClinVar (database versions not stated): ExAC 0.00001; gnomAD 0.00001; gnomAD exomes 0.00002 and 0.00003; TOPMed 0.00003.
gnomAD v4.1: 36 of 1,551,204 alleles (0.0023%); highest among the groups gnomAD compares: Non-Finnish European, 0.0031%; no homozygotes.

Submission:

GeneDx
Classification: Uncertain significance. Last evaluated: 2018-06-19. Review status: criteria provided, single submitter. Criteria: GeneDx Variant Classification (06012015). Collection method: clinical testing. Allele origin: germline. Affected: yes.
Comment: The c.1394+3A>G variant in the CKAP2L gene has not been reported previously as a pathogenic variant nor as a benign variant, to our knowledge. This variant is predicted to destroy the splice donor site in intron 4, and is expected to cause abnormal gene splicing. However, in the absence of RNA/functional studies, the actual effect of the c.1394+3A>G change in this individual is unknown. The c.1394+3A>G variant is not observed at a significant frequency in large population cohorts (Lek et al., 2016). We interpret c.1394+3A>G as a variant of uncertain significance.

NM_152515.5(CKAP2L):c.1394+3A>G

Gene: CKAP2L (cytoskeleton associated protein 2 like; minus strand). Cytogenetic location: 2q14.1.
Variant type: single nucleotide variant.
Coding change: c.1394+3A>G on transcript NM_152515.5 (MANE Select); 3 bases into the intron after coding-DNA position 1394, A replaced by G.
Molecular consequence: intron variant.
Genome position (GRCh38, 1-based): chr2:112,755,974, T>C on the plus strand (A>G on the coding strand, the complement: CKAP2L is on the minus strand). VCF-style: chr2-112755974-T-C. GRCh37 (hg19) VCF-style: chr2-113513551-T-C.
Other names: c.899+3A>G (NM_001304361.2).
Identifiers: ClinVar variation 503757 (VCV000503757.2), dbSNP rs755770296, ClinGen allele CA1836670.